The following is an entry in ClinVar:

NM_181523.3(PIK3R1):c.472C>T (p.Leu158=)

Gene: PIK3R1 (phosphoinositide-3-kinase regulatory subunit 1; plus strand). Cytogenetic location: 5q13.1.
Variant type: single nucleotide variant.
Coding change: c.472C>T on transcript NM_181523.3 (MANE Select); coding-DNA position 472, C replaced by T.
Protein change: p.Leu158=; no amino-acid change (leucine 158 retained).
Molecular consequence: synonymous variant.
Genome position (GRCh38, 1-based): chr5:68,273,983, C>T. VCF-style: chr5-68273983-C-T. GRCh37 (hg19) VCF-style: chr5-67569811-C-T.
Identifiers: ClinVar variation 3026873 (VCV003026873.22), dbSNP rs1746470163, ClinGen allele CA444486144.

ClinVar aggregate classification (germline): Uncertain significance (1 of 4 stars; one submission).

Allele frequency attached by ClinVar (database versions not stated): TOPMed below 0.00001.

Submission:

CeGaT Center for Human Genetics Tuebingen
Classification: Uncertain significance. Last evaluated: 2024-01-01. Review status: criteria provided, single submitter. Criteria: CeGaT Center For Human Genetics Tuebingen Variant Classification Criteria Version 2. Collection method: clinical testing. Allele origin: germline. Affected: yes. Observed: 1 variant allele.
Comment: PIK3R1: PM2:Supporting, BP4